The following is an entry in ClinVar:

ClinVar aggregate classification (germline): Uncertain significance. Review status: criteria provided, multiple submitters, no conflicts (2 of 4 stars). 7 submissions from 5 submitters: Uncertain significance (5). 2 of the submissions do not count toward it. Last evaluated 2025-11-21.

Conditions:
Dilated cardiomyopathy 1D. Identifiers: Orphanet 154, Orphanet 54260, MedGen C1832243, MONDO:0011095, OMIM 601494.
Hypertrophic cardiomyopathy 2. Also called: TNNT2-Related Familial Hypertrophic Cardiomyopathy. Identifiers: MedGen C1861864, MONDO:0007266, OMIM 115195.
Cardiomyopathy, familial restrictive, 3. Identifiers: Orphanet 75249, MedGen C2676271, MONDO:0012900, OMIM 612422.
Cardiomyopathy (CMYO). Also called: Cardiomyopathies. Identifiers: Orphanet 167848, MedGen C0878544, MONDO:0004994, HP:0001638. Inheritance: Various modes of inheritance.

Allele frequency attached by ClinVar (database versions not stated): gnomAD exomes below 0.00001.
gnomAD v4.1: 3 of 1,614,060 alleles (0.00019%); highest among the groups gnomAD compares: African/African-American, 0.0013%; no homozygotes.

Submissions (7):

Color Diagnostics, LLC DBA Color Health
Classification: Uncertain significance for Cardiomyopathy. Last evaluated: 2025-11-21. Review status: criteria provided, single submitter. Criteria: ACMG Guidelines, 2015. Collection method: clinical testing. Allele origin: germline.
Comment: This missense variant replaces aspartic acid with asparagine at codon 81 of the TNNT2 protein. Computational prediction is inconclusive regarding the impact of this variant on protein structure and function. To our knowledge, functional studies have not been reported for this variant. This variant has not been reported in individuals affected with TNNT2-related disorders in the literature. This variant has been identified in 3/1614060 chromosomes in the general population by the Genome Aggregation Database (gnomAD). The available evidence is insufficient to determine the role of this variant in disease conclusively. Therefore, this variant is classified as a Variant of Uncertain Significance.

Genome-Nilou Lab
Classification: Uncertain significance for Dilated cardiomyopathy 1D. Last evaluated: 2023-04-11. Review status: criteria provided, single submitter. Criteria: ACMG Guidelines, 2015. Collection method: clinical testing. Allele origin: germline. Affected: no.

Genome-Nilou Lab
Classification: Uncertain significance for Cardiomyopathy, familial restrictive, 3. Last evaluated: 2023-04-11. Review status: criteria provided, single submitter. Criteria: ACMG Guidelines, 2015. Collection method: clinical testing. Allele origin: germline. Affected: no.

Genome-Nilou Lab
Classification: Uncertain significance for Hypertrophic cardiomyopathy 2. Last evaluated: 2023-04-11. Review status: criteria provided, single submitter. Criteria: ACMG Guidelines, 2015. Collection method: clinical testing. Allele origin: germline. Affected: no.

Labcorp Genetics (formerly Invitae), Labcorp
Classification: Uncertain significance for Cardiomyopathy, familial restrictive, 3; Hypertrophic cardiomyopathy 2; Dilated cardiomyopathy 1D. Last evaluated: 2020-09-09. Review status: criteria provided, single submitter. Criteria: Invitae Variant Classification Sherloc (09022015). Collection method: clinical testing. Allele origin: germline.
Comment: In summary, the available evidence is currently insufficient to determine the role of this variant in disease. Therefore, it has been classified as a Variant of Uncertain Significance. Algorithms developed to predict the effect of missense changes on protein structure and function are either unavailable or do not agree on the potential impact of this missense change (SIFT: "Deleterious"; PolyPhen-2: "Possibly Damaging"; Align-GVGD: "Class C15"). This variant has not been reported in the literature in individuals with TNNT2-related conditions. This variant is not present in population databases (ExAC no frequency). This sequence change replaces aspartic acid with asparagine at codon 81 of the TNNT2 protein (p.Asp81Asn). The aspartic acid residue is highly conserved and there is a small physicochemical difference between aspartic acid and asparagine.

Clinical Genetics, Academic Medical Center
Classification: Uncertain significance. Review status: no assertion criteria provided. Collection method: clinical testing. Allele origin: germline. Affected: yes. Study: VKGL Data-share Consensus. Not counted in ClinVar's aggregate classification.

Diagnostic Laboratory, Department of Genetics, University Medical Center Groningen
Classification: Uncertain significance. Review status: no assertion criteria provided. Collection method: clinical testing. Allele origin: germline. Affected: yes. Study: VKGL Data-share Consensus. Not counted in ClinVar's aggregate classification.

NM_001276345.2(TNNT2):c.271G>A (p.Asp91Asn)

Gene: TNNT2 (troponin T2, cardiac type; minus strand). Cytogenetic location: 1q32.1.
Variant type: single nucleotide variant.
Coding change: c.271G>A on transcript NM_001276345.2 (MANE Select); coding-DNA position 271, G replaced by A.
Protein change: p.Asp91Asn; replaces aspartic acid 91 with asparagine.
Molecular consequence: missense variant.
Genome position (GRCh38, 1-based): chr1:201,365,633, C>T on the plus strand (G>A on the coding strand, the complement: TNNT2 is on the minus strand). VCF-style: chr1-201365633-C-T. GRCh37 (hg19) VCF-style: chr1-201334761-C-T.
Other names: c.271G>A, p.Asp91Asn (NM_000364.4); c.241G>A, p.Asp81Asn (NM_001001430.3, NM_001001431.3, NM_001276347.2); c.226G>A, p.Asp76Asn (NM_001001432.3); c.268G>A, p.Asp90Asn (NM_001276346.2); short protein forms D76N, D81N, D90N, D91N.
Identifiers: ClinVar variation 1052553 (VCV001052553.17), dbSNP rs1571630555, ClinGen allele CA344206679.